The following is an entry in ClinVar:

NM_003002.4(SDHD):c.37_38delinsAG (p.Ala13Ser)

Genes: SDHD (succinate dehydrogenase complex subunit D; plus strand), LOC126861339 (BRD4-independent group 4 enhancer GRCh37_chr11:111957035-111958234; plus strand). Cytogenetic location: 11q23.1.
Variant type: Indel.
Coding change: c.37_38delinsAG on transcript NM_003002.4 (MANE Select); coding-DNA positions 37 to 38, GC replaced by AG.
Protein change: p.Ala13Ser; replaces alanine 13 with serine.
Molecular consequence: missense variant. On other transcripts: non-coding transcript variant (1).
Genome position (GRCh38, 1-based): chr11:112,086,944-112,086,945, GC replaced by AG. VCF-style: chr11-112086944-GC-AG. GRCh37 (hg19) VCF-style: chr11-111957668-GC-AG.
Other names: c.37_38delinsAG, p.Ala13Ser (NM_001276503.2, NM_001276504.2, NM_001276506.2); short protein forms A13S.
Identifiers: ClinVar variation 4794274 (VCV004794274.1).

ClinVar aggregate classification (germline): Uncertain significance (1 of 4 stars; one submission).

Conditions:
Pheochromocytoma. Also called: MAX-Related Hereditary Paraganglioma-Pheochromocytoma Syndrome. Identifiers: Orphanet 29072, MedGen C0031511, MONDO:0008233, OMIM 171300, HP:0002666.
Carney-Stratakis syndrome. Also called: PARAGANGLIOMA AND GASTROINTESTINAL STROMAL TUMOR. Identifiers: Orphanet 97286, MedGen C1847319, MONDO:0011740, OMIM 606864.
Paragangliomas with sensorineural hearing loss. Identifiers: MedGen C1868633.
Cowden syndrome 3 (CWS3). Identifiers: Orphanet 201, MedGen CN166604, MONDO:0014045.

Submission:

Labcorp Genetics (formerly Invitae), Labcorp
Classification: Uncertain significance for Carney-Stratakis syndrome; Paragangliomas with sensorineural hearing loss; Pheochromocytoma; Cowden syndrome 3. Last evaluated: 2025-05-14. Review status: criteria provided, single submitter. Criteria: Invitae Variant Classification Sherloc (09022015). Collection method: clinical testing. Allele origin: germline.
Comment: This sequence change replaces alanine, which is neutral and non-polar, with serine, which is neutral and polar, at codon 13 of the SDHD protein (p.Ala13Ser). Information on the frequency of this variant in the gnomAD database is not available, as this variant may be reported differently in the database. This variant has not been reported in the literature in individuals affected with SDHD-related conditions. An algorithm developed to predict the effect of missense changes on protein structure and function (PolyPhen-2) suggests that this variant is likely to be tolerated. In summary, the available evidence is currently insufficient to determine the role of this variant in disease. Therefore, it has been classified as a Variant of Uncertain Significance.